The following is an entry in ClinVar:

NM_000535.7(PMS2):c.904-14T>A

Gene: PMS2 (PMS1 homolog 2, mismatch repair system component; minus strand). Cytogenetic location: 7p22.1.
Variant type: single nucleotide variant.
Coding change: c.904-14T>A on transcript NM_000535.7 (MANE Select); 14 bases into the intron before coding-DNA position 904, T replaced by A.
Molecular consequence: intron variant.
Genome position (GRCh38, 1-based): chr7:5,992,071, A>T on the plus strand (T>A on the coding strand, the complement: PMS2 is on the minus strand). VCF-style: chr7-5992071-A-T. GRCh37 (hg19) VCF-style: chr7-6031702-A-T.
Other names: c.586-14T>A (NM_001322008.2, NM_001322007.2); c.499-14T>A (NM_001322010.2, NM_001322004.2, NM_001322003.2 and 2 more transcripts); c.331-14T>A (NM_001322013.2); c.-30-14T>A (NM_001322012.2, NM_001322011.2); c.595-14T>A (NM_001322015.2); c.904-14T>A (NM_001322006.2, NM_001322014.2).
Identifiers: ClinVar variation 421637 (VCV000421637.14), dbSNP rs1064795266, ClinGen allele CA16618520.
Genomic context (GRCh38, chr7:5,992,071, plus strand): 5'-TGGTGTCGATTATACATGTGGTAGACCTCATTCACGAGTCTGCAGACCTGCACAAAATAC[A>T]AGGAGTAGAAAAGAATAAATGACAAATGTTCCCAGCCCCCCGCATTCTAACAACATTCTA-3'

ClinVar aggregate classification (germline): Uncertain significance. Review status: criteria provided, multiple submitters, no conflicts (2 of 4 stars). 4 submissions from 4 submitters: Uncertain significance (4). Last evaluated 2025-11-24.

Conditions:
Hereditary nonpolyposis colorectal neoplasms. Identifiers: MedGen C0009405, MeSH D003123.
Hereditary cancer-predisposing syndrome. Also called: Hereditary neoplastic syndrome; Neoplastic Syndromes, Hereditary; Tumor predisposition; Hereditary Cancer Syndrome. Identifiers: Orphanet 140162, MedGen C0027672, MeSH D009386, MONDO:0015356.

gnomAD v4.1: 3 of 1,385,718 alleles (0.00022%); highest among the groups gnomAD compares: Non-Finnish European, 0.00031%; no homozygotes.

Submissions (4):

Labcorp Genetics (formerly Invitae), Labcorp
Classification: Uncertain significance for Hereditary nonpolyposis colorectal neoplasms. Last evaluated: 2025-11-24. Review status: criteria provided, single submitter. Criteria: Invitae Variant Classification Sherloc (09022015). Collection method: clinical testing. Allele origin: germline.
Comment: This sequence change falls in intron 8 of the PMS2 gene. It does not directly change the encoded amino acid sequence of the PMS2 protein. This variant is not present in population databases (gnomAD no frequency). This variant has not been reported in the literature in individuals affected with PMS2-related conditions. ClinVar contains an entry for this variant (Variation ID: 421637). Studies have shown that this variant is associated with inconclusive levels of altered splicing (internal data). In summary, the available evidence is currently insufficient to determine the role of this variant in disease. Therefore, it has been classified as a Variant of Uncertain Significance.

Color Diagnostics, LLC DBA Color Health
Classification: Uncertain significance for Hereditary cancer-predisposing syndrome. Last evaluated: 2022-12-21. Review status: criteria provided, single submitter. Criteria: ACMG Guidelines, 2015. Collection method: clinical testing. Allele origin: germline.
Comment: This variant causes a T to A nucleotide substitution at the -14 position of intron 8 of the PMS2 gene. Splice site prediction tools suggest that this variant may create an alternative splice acceptor site upstream of the reference splice acceptor site. However, this prediction has not been confirmed in published RNA studies. This variant has not been reported in individuals affected with PMS2-related disorders in the literature. This variant has not been identified in the general population by the Genome Aggregation Database (gnomAD). The available evidence is insufficient to determine the role of this variant in disease conclusively. Therefore, this variant is classified as a Variant of Uncertain Significance.

Ambry Genetics
Classification: Uncertain significance for Hereditary cancer-predisposing syndrome. Last evaluated: 2022-05-04. Review status: criteria provided, single submitter. Criteria: Ambry Variant Classification Scheme 2023. Collection method: clinical testing. Allele origin: germline.
Comment: The c.904-14T>A intronic alteration consists of a T to A substitution 14 nucleotides before coding exon 9 in the PMS2 gene. Based on insufficient or conflicting evidence, the clinical significance of this alteration remains unclear.

GeneDx
Classification: Uncertain significance. Last evaluated: 2016-07-07. Review status: criteria provided, single submitter. Criteria: GeneDx Variant Classification (06012015). Collection method: clinical testing. Allele origin: germline. Affected: yes.
Comment: This variant is denoted PMS2 c.904-14T>A or IVS8-14T>A and consists of a T>A nucleotide substitution at the -14 position of intron 8 of the PMS2 gene. Multiple in silico models predict this variant to create a cryptic splice acceptor site upstream of the intron, possibly causing abnormal gene splicing; however, in the absence of RNA or functional studies, the actual effect of this variant is unknown. This variant has not, to our knowledge, been published in the literature as pathogenic or benign. PMS2 c.904-14T>A was not observed in approximately 6,500 individuals of European and African American ancestry in the NHLBI Exome Sequencing Project, suggesting it is not a common benign variant in these populations. The thymine (T) nucleotide that is altered is conserved in mammals. Based on currently available information, it is unclear whether PMS2 c.904-14T>A is pathogenic or benign. We consider it to be a variant of uncertain significance.